The following is an entry in ClinVar:

NM_001164508.2(NEB):c.2415+6T>C

Gene: NEB (nebulin; minus strand). Cytogenetic location: 2q23.3.
Variant type: single nucleotide variant.
Coding change: c.2415+6T>C on transcript NM_001164508.2 (MANE Select); 6 bases into the intron after coding-DNA position 2415, T replaced by C.
Molecular consequence: intron variant.
Genome position (GRCh38, 1-based): chr2:151,688,286, A>G on the plus strand (T>C on the coding strand, the complement: NEB is on the minus strand). VCF-style: chr2-151688286-A-G. GRCh37 (hg19) VCF-style: chr2-152544800-A-G.
Other names: c.2415+6T>C (NM_004543.5, NM_001164507.2, NM_001271208.2).
Identifiers: ClinVar variation 465576 (VCV000465576.5), dbSNP rs760614044, ClinGen allele CA1911236.

ClinVar aggregate classification (germline): Uncertain significance. Review status: criteria provided, multiple submitters, no conflicts (2 of 4 stars). 2 submissions from 2 submitters: Uncertain significance (2). Last evaluated 2024-09-09.

Conditions:
Nemaline myopathy 2 (NEM2). Also called: Nemaline myopathy 2, autosomal recessive. Identifiers: MedGen C1850569, MONDO:0009725, OMIM 256030.

Allele frequency attached by ClinVar (database versions not stated): gnomAD exomes below 0.00001; ExAC 0.00001.
gnomAD v4.1: 1 of 1,596,600 alleles (0.000063%); highest among the groups gnomAD compares: Non-Finnish European, 0.000086%; no homozygotes.

Submissions (2):

Women's Health and Genetics/Laboratory Corporation of America, LabCorp
Classification: Uncertain significance. Last evaluated: 2024-09-09. Review status: criteria provided, single submitter. Criteria: LabCorp Variant Classification Summary - May 2015. Collection method: clinical testing. Allele origin: germline.

Labcorp Genetics (formerly Invitae), Labcorp
Classification: Uncertain significance for Nemaline myopathy 2. Last evaluated: 2022-07-26. Review status: criteria provided, single submitter. Criteria: Invitae Variant Classification Sherloc (09022015). Collection method: clinical testing. Allele origin: germline.
Comment: This sequence change falls in intron 25 of the NEB gene. It does not directly change the encoded amino acid sequence of the NEB protein. It affects a nucleotide within the consensus splice site. This variant is present in population databases (rs760614044, gnomAD 0.0009%). This variant has been observed in individual(s) with clinical features of NEB-related conditions (Invitae). In at least one individual the data is consistent with being in trans (on the opposite chromosome) from a pathogenic variant. ClinVar contains an entry for this variant (Variation ID: 465576). Variants that disrupt the consensus splice site are a relatively common cause of aberrant splicing (PMID: 17576681, 9536098). Algorithms developed to predict the effect of sequence changes on RNA splicing suggest that this variant may disrupt the consensus splice site. In summary, the available evidence is currently insufficient to determine the role of this variant in disease. Therefore, it has been classified as a Variant of Uncertain Significance.

Literature cited by the submitters: PubMed 17576681 (cited by Labcorp Genetics (formerly Invitae), Labcorp); PubMed 9536098 (cited by Labcorp Genetics (formerly Invitae), Labcorp).